The following is an entry in ClinVar:

ClinVar aggregate classification (germline): Uncertain significance (1 of 4 stars; one submission).

Conditions:
Myasthenic syndrome, congenital, 22 (CMS22). Also called: PREPL DEFICIENCY. Identifiers: MedGen C4479088, MONDO:0044299, OMIM 616224.

Submission:

Labcorp Genetics (formerly Invitae), Labcorp
Classification: Uncertain significance for Myasthenic syndrome, congenital, 22. Last evaluated: 2022-05-13. Review status: criteria provided, single submitter. Criteria: Invitae Variant Classification Sherloc (09022015). Collection method: clinical testing. Allele origin: germline.
Comment: This sequence change replaces leucine, which is neutral and non-polar, with phenylalanine, which is neutral and non-polar, at codon 474 of the PREPL protein (p.Leu474Phe). This variant is not present in population databases (gnomAD no frequency). This variant has not been reported in the literature in individuals affected with PREPL-related conditions. Algorithms developed to predict the effect of missense changes on protein structure and function are either unavailable or do not agree on the potential impact of this missense change (SIFT: "Deleterious"; PolyPhen-2: "Probably Damaging"; Align-GVGD: "Class C15"). In summary, the available evidence is currently insufficient to determine the role of this variant in disease. Therefore, it has been classified as a Variant of Uncertain Significance.

NM_001171613.2(PREPL):c.1153C>T (p.Leu385Phe)

Gene: PREPL (prolyl endopeptidase like; minus strand). Cytogenetic location: 2p21.
Variant type: single nucleotide variant.
Coding change: c.1153C>T on transcript NM_001171613.2 (MANE Select); coding-DNA position 1153, C replaced by T.
Protein change: p.Leu385Phe; replaces leucine 385 with phenylalanine.
Molecular consequence: missense variant.
Genome position (GRCh38, 1-based): chr2:44,329,046, G>A on the plus strand (C>T on the coding strand, the complement: PREPL is on the minus strand). VCF-style: chr2-44329046-G-A. GRCh37 (hg19) VCF-style: chr2-44556185-G-A.
Other names: c.1234C>T, p.Leu412Phe (NM_001042385.2); c.1222C>T, p.Leu408Phe (NM_001042386.2); c.1420C>T, p.Leu474Phe (NM_001171603.1, NM_001171606.2, NM_001374275.1 and 2 more transcripts); c.1153C>T, p.Leu385Phe (NM_001171617.1, NM_001374277.1); short protein forms L385F, L408F, L412F, L474F.
Identifiers: ClinVar variation 1967871 (VCV001967871.3), dbSNP rs1256765280, ClinGen allele CA346690588.